The following is an entry in ClinVar:

NM_002070.4(GNAI2):c.879G>A (p.Gly293=)

Gene: GNAI2 (G protein subunit alpha i2; plus strand). Cytogenetic location: 3p21.31.
Variant type: single nucleotide variant.
Coding change: c.879G>A on transcript NM_002070.4 (MANE Select); coding-DNA position 879, G replaced by A.
Protein change: p.Gly293=; no amino-acid change (glycine 293 retained).
Molecular consequence: synonymous variant.
Genome position (GRCh38, 1-based): chr3:50,257,501, G>A. VCF-style: chr3-50257501-G-A. GRCh37 (hg19) VCF-style: chr3-50294933-G-A.
Other names: c.831G>A, p.Gly277= (NM_001282620.2, NM_001282619.2); c.768G>A, p.Gly256= (NM_001166425.2); c.723G>A, p.Gly241= (NM_001282617.2); c.636G>A, p.Gly212= (NM_001282618.2).
Identifiers: ClinVar variation 869193 (VCV000869193.5), dbSNP rs143863348, ClinGen allele CA2413565.

ClinVar aggregate classification (germline): Uncertain significance (1 of 4 stars; one submission).

Conditions:
Familial isolated pituitary adenoma. Identifiers: Orphanet 314777, MedGen C2676191, MONDO:0017824.

Allele frequency attached by ClinVar (database versions not stated): gnomAD 0.00003; ESP Exome Variant Server 0.00008; TOPMed 0.00002; ExAC 0.00003; gnomAD exomes 0.00001.
gnomAD v4.1: 12 of 1,553,748 alleles (0.00077%); highest among the groups gnomAD compares: Admixed American, 0.0057%; no homozygotes.

Submission:

Baylor-Hopkins Center for Mendelian Genomics, Johns Hopkins University School of Medicine
Classification: Uncertain significance for Familial Isolated Pituitary Adenomas. Review status: criteria provided, single submitter. Criteria: ACMG Guidelines, 2015. Collection method: research. Allele origin: germline. Affected: yes. Observed: 2 variant alleles, 2 heterozygotes.